The following is an entry in ClinVar:

NM_021252.5(RAB18):c.*3521C>T

Gene: RAB18 (RAB18, member RAS oncogene family; plus strand). Cytogenetic location: 10p12.1.
Variant type: single nucleotide variant.
Coding change: c.*3521C>T on transcript NM_021252.5 (MANE Select); 3521 bases downstream of the stop codon, C replaced by T.
Molecular consequence: 3 prime UTR variant. On other transcripts: non-coding transcript variant (1).
Genome position (GRCh38, 1-based): chr10:27,541,572, C>T. VCF-style: chr10-27541572-C-T. GRCh37 (hg19) VCF-style: chr10-27830501-C-T.
Other names: c.*3521C>T (NM_001256410.2, NM_001256412.2); c.*3481C>T (NM_001256411.2).
Identifiers: ClinVar variation 878657 (VCV000878657.4), dbSNP rs142174174, ClinGen allele CA5452587.

ClinVar aggregate classification (germline): Benign (1 of 4 stars; one submission).

Conditions:
Warburg micro syndrome 3 (WARBM3). Also called: MICRO SYNDROME 3. Identifiers: Orphanet 2510, MedGen C3280203, MONDO:0013638, OMIM 614222.

Allele frequency attached by ClinVar (database versions not stated): gnomAD exomes 0.00018 and 0.00023; ExAC 0.00019; 1000 Genomes Project 0.00180; 1000 Genomes Project 30x 0.00187; gnomAD 0.00196 and 0.00208; TOPMed 0.00218.
gnomAD v4.1: 351 of 453,456 alleles (0.077%); highest among the groups gnomAD compares: African/African-American, 0.64%; 2 homozygotes.

Submission:

Illumina Laboratory Services, Illumina
Classification: Benign for Warburg micro syndrome 3. Last evaluated: 2018-01-12. Review status: criteria provided, single submitter. Criteria: ICSL Variant Classification Criteria 13 December 2019. Collection method: clinical testing. Allele origin: germline.
Comment: This variant was observed in the ICSL laboratory as part of a predisposition screen in an ostensibly healthy population. It had not been previously curated by ICSL or reported in the Human Gene Mutation Database (HGMD: prior to June 1st, 2018), and was therefore a candidate for classification through an automated scoring system. Utilizing variant allele frequency, disease prevalence and penetrance estimates, and inheritance mode, an automated score was calculated to assess if this variant is too frequent to cause the disease. Based on the score and internal cut-off values, a variant classified as benign is not then subjected to further curation. The score for this variant resulted in a classification of benign for this disease.